The following is an entry in ClinVar:

ClinVar aggregate classification (germline): Conflicting classifications of pathogenicity. Review status: criteria provided, conflicting classifications (1 of 4 stars). 2 submissions from 2 submitters: Uncertain significance (1); Likely benign (1). Last evaluated 2025-08-27.

Conditions:
Hereditary cancer-predisposing syndrome. Also called: Hereditary neoplastic syndrome; Neoplastic Syndromes, Hereditary; Tumor predisposition; Hereditary Cancer Syndrome. Identifiers: Orphanet 140162, MedGen C0027672, MeSH D009386, MONDO:0015356.
Familial adenomatous polyposis 2. Also called: MYH-associated polyposis; MUTYH-related attenuated familial adenomatous polyposis; FAP type 2; COLORECTAL ADENOMATOUS POLYPOSIS, AUTOSOMAL RECESSIVE; ADENOMAS, MULTIPLE COLORECTAL, AUTOSOMAL RECESSIVE; MUTYH-associated polyposis. Identifiers: Orphanet 220460, Orphanet 247798, MedGen C3272841, MONDO:0012041, OMIM 608456.

Allele frequency attached by ClinVar (database versions not stated): TOPMed below 0.00001.

Submissions (2):

Ambry Genetics
Classification: Likely benign for Hereditary cancer-predisposing syndrome. Last evaluated: 2025-08-27. Review status: criteria provided, single submitter. Criteria: Ambry Variant Classification Scheme 2023. Collection method: clinical testing. Allele origin: germline.

Labcorp Genetics (formerly Invitae), Labcorp
Classification: Uncertain significance for Familial adenomatous polyposis 2. Last evaluated: 2025-04-28. Review status: criteria provided, single submitter. Criteria: Invitae Variant Classification Sherloc (09022015). Collection method: clinical testing. Allele origin: germline.
Comment: This sequence change replaces arginine, which is basic and polar, with lysine, which is basic and polar, at codon 16 of the MUTYH protein (p.Arg16Lys). This variant is not present in population databases (gnomAD no frequency). This variant has not been reported in the literature in individuals affected with MUTYH-related conditions. ClinVar contains an entry for this variant (Variation ID: 2910727). An algorithm developed to predict the effect of missense changes on protein structure and function outputs the following: PolyPhen-2: "Benign". The lysine amino acid residue is found in multiple mammalian species, which suggests that this missense change does not adversely affect protein function. In summary, the available evidence is currently insufficient to determine the role of this variant in disease. Therefore, it has been classified as a Variant of Uncertain Significance.

NM_001048174.2(MUTYH):c.5G>A (p.Arg2Lys)

Gene: MUTYH (mutY DNA glycosylase; minus strand). Cytogenetic location: 1p34.1.
Variant type: single nucleotide variant.
Coding change: c.5G>A on transcript NM_001048174.2 (MANE Select); coding-DNA position 5, G replaced by A.
Protein change: p.Arg2Lys; replaces arginine 2 with lysine.
Molecular consequence: missense variant. On other transcripts: 5 prime UTR variant (7), non-coding transcript variant (7).
Genome position (GRCh38, 1-based): chr1:45,334,501, C>T on the plus strand (G>A on the coding strand, the complement: MUTYH is on the minus strand). VCF-style: chr1-45334501-C-T. GRCh37 (hg19) VCF-style: chr1-45800173-C-T.
Other names: c.5G>A, p.Arg2Lys (NM_001048171.2, NM_001048172.2, NM_001048173.2 and 15 more transcripts); c.47G>A, p.Arg16Lys (NM_001128425.2, NM_001293190.2, NM_001407069.1 and 2 more transcripts); c.-208G>A (NM_001293192.2, NM_001293196.2, NM_001407091.1); c.-267G>A (NM_001350650.2); c.-203G>A (NM_001350651.2, NM_001407082.1); c.-152G>A (NM_001407075.1); c.23G>A, p.Arg8Lys (NM_001407087.1); short protein forms R16K, R2K, R8K.
Identifiers: ClinVar variation 2910727 (VCV002910727.4), dbSNP rs1645586485, ClinGen allele CA340137294.